The following is an entry in ClinVar:

ClinVar aggregate classification (germline): Uncertain significance (1 of 4 stars; one submission).

Submission:

Ambry Genetics
Classification: Uncertain significance. Last evaluated: 2020-11-09. Review status: criteria provided, single submitter. Criteria: Ambry Variant Classification Scheme 2023. Collection method: clinical testing. Allele origin: germline.
Comment: The p.K350R variant (also known as c.1049A>G), located in coding exon 3 of the EGLN1 gene, results from an A to G substitution at nucleotide position 1049. The lysine at codon 350 is replaced by arginine, an amino acid with highly similar properties. This amino acid position is highly conserved in available vertebrate species. In addition, this alteration is predicted to be tolerated by in silico analysis. Since supporting evidence is limited at this time, the clinical significance of this alteration remains unclear.

NM_022051.3(EGLN1):c.1049A>G (p.Lys350Arg)

Gene: EGLN1 (egl-9 family hypoxia inducible factor 1; minus strand). Cytogenetic location: 1q42.2.
Variant type: single nucleotide variant.
Coding change: c.1049A>G on transcript NM_022051.3 (MANE Select); coding-DNA position 1049, A replaced by G.
Protein change: p.Lys350Arg; replaces lysine 350 with arginine.
Molecular consequence: missense variant. On other transcripts: intron variant (1).
Genome position (GRCh38, 1-based): chr1:231,370,661, T>C on the plus strand (A>G on the coding strand, the complement: EGLN1 is on the minus strand). VCF-style: chr1-231370661-T-C. GRCh37 (hg19) VCF-style: chr1-231506407-T-C.
Other names: c.1049A>G, p.Lys350Arg (NM_001377260.1); c.1012-3025A>G (NM_001377261.1); short protein forms K350R.
Identifiers: ClinVar variation 1776321 (VCV001776321.2), dbSNP rs2527228466, ClinGen allele CA345240498.